The following is an entry in ClinVar:

ClinVar aggregate classification (germline): Conflicting classifications of pathogenicity. Review status: criteria provided, conflicting classifications (1 of 4 stars). 8 submissions from 8 submitters: Uncertain significance (1); Likely benign (4). 3 of the submissions do not count toward it. Last evaluated 2026-01-19.

Conditions:
Usher syndrome type 1B (USH1B). Also called: Usher syndrome type IB. Identifiers: MedGen C1848638, MONDO:0700087.
MYO7A-related disorder. Also called: MYO7A-related disorders.

Allele frequency attached by ClinVar (database versions not stated): TOPMed 0.00013.
gnomAD v4.1: 173 of 1,575,958 alleles (0.011%); highest among the groups gnomAD compares: Middle Eastern, 0.12%; no homozygotes.

Submissions (8):

Labcorp Genetics (formerly Invitae), Labcorp
Classification: Likely benign. Last evaluated: 2026-01-19. Review status: criteria provided, single submitter. Criteria: Invitae Variant Classification Sherloc (09022015). Collection method: clinical testing. Allele origin: germline.

PreventionGenetics, part of Exact Sciences
Classification: Likely benign for MYO7A-related condition. Last evaluated: 2025-09-18. Review status: criteria provided, single submitter. Criteria: ACMG Guidelines, 2015. Collection method: clinical testing. Allele origin: germline.
Comment: This variant is classified as likely benign based on ACMG/AMP sequence variant interpretation guidelines (Richards et al. 2015 PMID: 25741868, with internal and published modifications).

Blueprint Genetics
Classification: Likely benign. Last evaluated: 2024-11-18. Review status: criteria provided, single submitter. Criteria: ACMG Guidelines, 2015. Collection method: clinical testing. Allele origin: germline.

GeneDx
Classification: Likely benign. Last evaluated: 2020-09-14. Review status: criteria provided, single submitter. Criteria: GeneDx Variant Classification Process June 2021. Collection method: clinical testing. Allele origin: germline. Affected: yes.

CeGaT Center for Human Genetics Tuebingen
Classification: Uncertain significance. Last evaluated: 2018-08-01. Review status: criteria provided, single submitter. Criteria: CeGaT Center For Human Genetics Tuebingen Variant Classification Criteria Version 2. Collection method: clinical testing. Allele origin: germline. Affected: yes. Observed: 1 variant allele.

Natera, Inc.
Classification: Uncertain significance for Usher syndrome type 1B. Last evaluated: 2020-04-17. Review status: no assertion criteria provided. Collection method: clinical testing. Allele origin: germline. Not counted in ClinVar's aggregate classification.

Clinical Genetics DNA and cytogenetics Diagnostics Lab, Erasmus MC, Erasmus Medical Center
Classification: Likely benign. Review status: no assertion criteria provided. Collection method: clinical testing. Allele origin: germline. Affected: yes. Study: VKGL Data-share Consensus. Not counted in ClinVar's aggregate classification.

Clinical Genetics, Academic Medical Center
Classification: Benign. Review status: no assertion criteria provided. Collection method: clinical testing. Allele origin: germline. Affected: yes. Study: VKGL Data-share Consensus. Not counted in ClinVar's aggregate classification.

NM_000260.4(MYO7A):c.5494C>A (p.Arg1832=)

Gene: MYO7A (myosin VIIA; plus strand). Cytogenetic location: 11q13.5.
Variant type: single nucleotide variant.
Coding change: c.5494C>A on transcript NM_000260.4 (MANE Select); coding-DNA position 5494, C replaced by A.
Protein change: p.Arg1832=; no amino-acid change (arginine 1832 retained).
Molecular consequence: synonymous variant.
Genome position (GRCh38, 1-based): chr11:77,205,475, C>A. VCF-style: chr11-77205475-C-A. GRCh37 (hg19) VCF-style: chr11-76916520-C-A.
Other names: c.5380C>A, p.Arg1794= (NM_001127180.2); c.5347C>A, p.Arg1783= (NM_001369365.1).
Identifiers: ClinVar variation 623786 (VCV000623786.59), dbSNP rs748080151, ClinGen allele CA6198732.